The following is an entry in ClinVar:

NM_174936.4(PCSK9):c.36G>A (p.Pro12=)

Gene: PCSK9 (proprotein convertase subtilisin/kexin type 9; plus strand). Cytogenetic location: 1p32.3.
Variant type: single nucleotide variant.
Coding change: c.36G>A on transcript NM_174936.4 (MANE Select); coding-DNA position 36, G replaced by A.
Protein change: p.Pro12=; no amino-acid change (proline 12 retained).
Molecular consequence: synonymous variant.
Genome position (GRCh38, 1-based): chr1:55,039,873, G>A. VCF-style: chr1-55039873-G-A. GRCh37 (hg19) VCF-style: chr1-55505546-G-A.
Identifiers: ClinVar variation 927682 (VCV000927682.5), dbSNP rs1202453511, ClinGen allele CA417957253.
Genomic context (GRCh38, chr1:55,039,873, plus strand): 5'-GACAGCAACCTCTCCCCTGGCCCTCATGGGCACCGTCAGCTCCAGGCGGTCCTGGTGGCC[G>A]CTGCCACTGCTGCTGCTGCTGCTGCTGCTCCTGGGTCCCGCGGGCGCCCGTGCGCAGGAG-3'
Protein context (NP_777596.2, residues 2-22): GTVSSRRSWW[Pro12=]LPLLLLLLLL

ClinVar aggregate classification (germline): Likely benign. Review status: criteria provided, multiple submitters, no conflicts (2 of 4 stars). 3 submissions from 3 submitters: Likely benign (3). Last evaluated 2025-01-15.

Conditions:
Hypercholesterolemia, autosomal dominant, 3 (FHCL3). Also called: PCSK9-Related Familial Hypercholesterolemia, Autosomal Dominant; Familial hypercholesterolemia 3; Familial Hypercholesterolemia, Autosomal Dominant, 3. Identifiers: MedGen C1863551, MONDO:0011369, OMIM 603776.
Familial hypercholesterolemia. Also called: Familial hypercholesterolaemia; Familial hypercholesterolemias. Identifiers: MedGen C0020445, MONDO:0005439.

Allele frequency attached by ClinVar (database versions not stated): TOPMed 0.00002.

Submissions (3):

Labcorp Genetics (formerly Invitae), Labcorp
Classification: Likely benign for Hypercholesterolemia, autosomal dominant, 3. Last evaluated: 2025-01-15. Review status: criteria provided, single submitter. Criteria: Invitae Variant Classification Sherloc (09022015). Collection method: clinical testing. Allele origin: germline.

All of Us Research Program, National Institutes of Health
Classification: Likely benign for Hypercholesterolemia, autosomal dominant, 3. Last evaluated: 2024-01-11. Review status: criteria provided, single submitter. Criteria: ACMG Guidelines, 2015. Collection method: clinical testing. Allele origin: germline. Inheritance: Autosomal dominant inheritance. Observed: 1 variant allele, 1 heterozygote.
Comment: This study involves interpretation of variants in research participants for the purpose of population health screening. Participant phenotype was not available at the time of variant classification. Additional details can be found in publication PMID: 35346344, PMCID: PMC8962531

Color Diagnostics, LLC DBA Color Health
Classification: Likely benign for Familial hypercholesterolemia. Last evaluated: 2019-07-09. Review status: criteria provided, single submitter. Criteria: ACMG Guidelines, 2015. Collection method: clinical testing. Allele origin: germline.